The following is an entry in ClinVar:

NM_001184.4(ATR):c.415C>T (p.Pro139Ser)

Gene: ATR (ATR checkpoint kinase; minus strand). Cytogenetic location: 3q23.
Variant type: single nucleotide variant.
Coding change: c.415C>T on transcript NM_001184.4 (MANE Select); coding-DNA position 415, C replaced by T.
Protein change: p.Pro139Ser; replaces proline 139 with serine.
Molecular consequence: missense variant.
Genome position (GRCh38, 1-based): chr3:142,562,987, G>A on the plus strand (C>T on the coding strand, the complement: ATR is on the minus strand). VCF-style: chr3-142562987-G-A. GRCh37 (hg19) VCF-style: chr3-142281829-G-A.
Other names: c.415C>T, p.Pro139Ser (NM_001354579.2); short protein forms P139S.
Identifiers: ClinVar variation 1738329 (VCV001738329.2), dbSNP rs2473429848, ClinGen allele CA354827061.
Genomic context (GRCh38, chr3:142,562,987, plus strand): 5'-GGTAAACCAAGTCTTCAAAAAGTTGTAATAATTCTTTTGTGAGTACCCCAAAAATAGCAG[G>A]ACTCTTGCTTTTAAAAAGAAATAATAATGAACAGATGACTTCACAGATTTTCTTGTGTAA-3'
Protein context (NP_001175.2, residues 129-149): SLLFLFKSKS[Pro139Ser]AIFGVLTKEL

ClinVar aggregate classification (germline): Uncertain significance (1 of 4 stars; one submission).

Conditions:
Inborn genetic diseases. Identifiers: MedGen C0950123, MeSH D030342.

Submission:

Ambry Genetics
Classification: Uncertain significance for Inborn genetic diseases. Last evaluated: 2022-06-11. Review status: criteria provided, single submitter. Criteria: Ambry Variant Classification Scheme 2023. Collection method: clinical testing. Allele origin: germline.
Comment: The p.P139S variant (also known as c.415C>T), located in coding exon 4 of the ATR gene, results from a C to T substitution at nucleotide position 415. The proline at codon 139 is replaced by serine, an amino acid with similar properties. This amino acid position is conserved. In addition, this alteration is predicted to be tolerated by in silico analysis. Since supporting evidence is limited at this time, the clinical significance of this alteration remains unclear.